The following is an entry in ClinVar:

ClinVar aggregate classification (germline): Conflicting classifications of pathogenicity. Review status: criteria provided, conflicting classifications (1 of 4 stars). 12 submissions from 12 submitters: Uncertain significance (10); Likely benign (2). Last evaluated 2025-12-16.

Conditions:
Hereditary cancer-predisposing syndrome. Also called: Tumor predisposition; Hereditary neoplastic syndrome; Hereditary Cancer Syndrome; Neoplastic Syndromes, Hereditary. Identifiers: Orphanet 140162, MedGen C0027672, MeSH D009386, MONDO:0015356.
Hereditary breast ovarian cancer syndrome. Also called: Hereditary breast and/or ovarian cancer syndrome; Breast and ovarian cancer; Hereditary breast and ovarian cancer; Hereditary breast and ovarian cancer syndrome; Hereditary breast and ovarian cancer syndrome (HBOC); BRCA1- and BRCA2-Associated Hereditary Breast and Ovarian Cancer. Identifiers: Orphanet 145, MedGen C0677776, MeSH D061325, MONDO:0003582. Disease mechanism: loss of function.
Breast-ovarian cancer, familial, susceptibility to, 2 (BROVCA2). Also called: BRCA2 Hereditary Breast and Ovarian Cancer. Identifiers: Orphanet 145, MedGen C2675520, MONDO:0012933, OMIM 612555. Disease mechanism: loss of function.

Allele frequency attached by ClinVar (database versions not stated): gnomAD exomes 0.00001 and 0.00002; 1000 Genomes Project 0.00020; 1000 Genomes Project 30x 0.00031; gnomAD 0.00001; ExAC 0.00001.
gnomAD v4.1: 16 of 1,612,810 alleles (0.00099%); highest among the groups gnomAD compares: Admixed American, 0.005%; no homozygotes.

Submissions (12):

Labcorp Genetics (formerly Invitae), Labcorp
Classification: Uncertain significance for Hereditary breast ovarian cancer syndrome. Last evaluated: 2025-12-16. Review status: criteria provided, single submitter. Criteria: Invitae Variant Classification Sherloc (09022015). Collection method: clinical testing. Allele origin: germline.
Comment: This sequence change replaces isoleucine, which is neutral and non-polar, with threonine, which is neutral and polar, at codon 1034 of the BRCA2 protein (p.Ile1034Thr). This variant is present in population databases (rs545974734, gnomAD 0.006%). This missense change has been observed in individual(s) with breast and/or ovarian cancer (PMID: 30287823, 37664050, 37937776). ClinVar contains an entry for this variant (Variation ID: 230962). Invitae Evidence Modeling of protein sequence and biophysical properties (such as structural, functional, and spatial information, amino acid conservation, physicochemical variation, residue mobility, and thermodynamic stability) indicates that this missense variant is not expected to disrupt BRCA2 protein function with a negative predictive value of 95%. In summary, the available evidence is currently insufficient to determine the role of this variant in disease. Therefore, it has been classified as a Variant of Uncertain Significance.

Ambry Genetics
Classification: Uncertain significance for Hereditary cancer-predisposing syndrome. Last evaluated: 2025-04-17. Review status: criteria provided, single submitter. Criteria: Ambry Variant Classification Scheme 2023. Collection method: clinical testing. Allele origin: germline.
Comment: The p.I1034T variant (also known as c.3101T>C), located in coding exon 10 of the BRCA2 gene, results from a T to C substitution at nucleotide position 3101. The isoleucine at codon 1034 is replaced by threonine, an amino acid with similar properties. This alteration has been identified in 1 of 7,051 unselected breast cancer patients and in 0 of 11,241 female controls of Japanese ancestry (Momozawa Y et al. Nat Commun, 2018 10;9:4083). This alteration has also been detected in a pediatric proband with neuroblastoma (Zhang J et al. N Engl J Med 2015 Dec;373(24):2336-2346). This amino acid position is highly conserved in available vertebrate species. In addition, this alteration is predicted to be deleterious by in silico analysis. Since supporting evidence is limited at this time, the clinical significance of this alteration remains unclear.

Women's Health and Genetics/Laboratory Corporation of America, LabCorp
Classification: Uncertain significance. Last evaluated: 2025-03-11. Review status: criteria provided, single submitter. Criteria: LabCorp Variant Classification Summary - May 2015. Collection method: clinical testing. Allele origin: germline.
Comment: Variant summary: BRCA2 c.3101T>C (p.Ile1034Thr) results in a non-conservative amino acid change in the encoded protein sequence. Five of five in-silico tools predict a damaging effect of the variant on protein function. The variant allele was found at a frequency of 1.6e-05 in 249574 control chromosomes. The available data on variant occurrences in the general population are insufficient to allow any conclusion about variant significance. c.3101T>C has been reported in the literature in individuals affected with Breast and/or Ovarian Cancer (e.g. Momozawa_2018, Herzog_2021, Dorling_2021, Ferreyra_2023, Jensson_2023) as well as one pediatric patient with Neuroblastoma (Zhang_2015). These reports do not provide unequivocal conclusions about association of the variant with Hereditary Breast And Ovarian Cancer Syndrome. To our knowledge, no experimental evidence demonstrating an impact on protein function has been reported. The following publications have been ascertained in the context of this evaluation (PMID: 33471991, 37664050, 34413315, 37937776, 30287823, 26580448). This variant has been submitted to ClinVar (variant ID: 230962).Based on the evidence outlined above, the variant was classified as uncertain significance.

Center for Genomic Medicine, Rigshospitalet, Copenhagen University Hospital
Classification: Likely benign. Last evaluated: 2025-03-04. Review status: criteria provided, single submitter. Criteria: ACMG Guidelines, 2015. Collection method: clinical testing. Allele origin: germline.

Dasa
Classification: Uncertain significance for Breast-ovarian cancer, familial, susceptibility to, 2. Last evaluated: 2025-02-04. Review status: criteria provided, single submitter. Criteria: DASA Assertion Criteria. Collection method: clinical testing. Allele origin: germline.
Comment: NM_000059.4(BRCA2):c.3101T>C (p.Ile1034Thr) is a missense variant that results in the substitution of isoleucine with threonine. This variant is rare in population databases. The currently available literature and clinical evidence are not sufficient to establish a definitive association between this variant and the reported condition. Therefore, this variant is classified as a variant of uncertain significance.

Color Diagnostics, LLC DBA Color Health
Classification: Uncertain significance for Hereditary cancer-predisposing syndrome. Last evaluated: 2025-01-22. Review status: criteria provided, single submitter. Criteria: ACMG Guidelines, 2015. Collection method: clinical testing. Allele origin: germline.
Comment: This missense variant replaces isoleucine with threonine at codon 1034 of the BRCA2 protein. Computational prediction suggests that this variant may have deleterious impact on protein structure and function. To our knowledge, functional studies have not been reported for this variant. This variant has been reported in a breast cancer case-control study and meta-analysis in 1/7051 cases and 0/11241 unaffected individuals (PMID: 30287823) and 1/60466 cases and 0/53461 unaffected individuals (PMID: 33471991; Leiden Open Variation Database DB-ID BRCA2_006346), respectively. A multifactorial analysis has reported a likelihood ratio for pathogenicity based on personal and family history of 0.676 from log(LR)=-0.169735894 for 3 carriers (PMID: 31853058). This variant has been identified in 4/249574 chromosomes in the general population by the Genome Aggregation Database (gnomAD). The available evidence is insufficient to determine the role of this variant in disease conclusively. Therefore, this variant is classified as a Variant of Uncertain Significance.

GeneDx
Classification: Uncertain significance. Last evaluated: 2024-04-05. Review status: criteria provided, single submitter. Criteria: GeneDx Variant Classification Process June 2021. Collection method: clinical testing. Allele origin: germline. Affected: yes.
Comment: Observed in individuals with a personal and/or family history of breast, ovarian, or other cancers, and absent in control groups (PMID: 37664050, 30287823, 31853058, 33471991); Not observed at significant frequency in large population cohorts (gnomAD); In silico analysis supports that this missense variant has a deleterious effect on protein structure/function; Also known as 3329T>C; This variant is associated with the following publications: (PMID: 32377563, 29884841, 33471991, 30287823, 31853058, 37664050, 26580448, 34413315)

All of Us Research Program, National Institutes of Health
Classification: Uncertain significance for Breast-ovarian cancer, familial, susceptibility to, 2. Last evaluated: 2023-08-15. Review status: criteria provided, single submitter. Criteria: ACMG Guidelines, 2015. Collection method: clinical testing. Allele origin: germline. Inheritance: Autosomal dominant inheritance. Observed: 1 variant allele, 1 heterozygote.
Comment: This study involves interpretation of variants in research participants for the purpose of population health screening. Participant phenotype was not available at the time of variant classification. Additional details can be found in publication PMID: 35346344, PMCID: PMC8962531

Quest Diagnostics Nichols Institute San Juan Capistrano
Classification: Uncertain significance. Last evaluated: 2023-06-08. Review status: criteria provided, single submitter. Criteria: Quest Diagnostics criteria. Collection method: clinical testing. Allele origin: unknown.
Comment: In large scale breast cancer case-control association studies, this variant has been reported in individuals with breast cancer (PMID: 30287823(2018), 33471991 (2021), ). In the published literature, this variant has also been reported in individuals with breast or ovarian cancer (PMID: 34413315 (2021)) and in a pediatric individual with neuroblastoma (PMID: 26580448 (2015)). The frequency of this variant in the general population, 0.000016 (4/249574 chromosomes (Genome Aggregation Database)), is uninformative in the assessment of its pathogenicity. Analysis of this variant using bioinformatics tools for the prediction of the effect of amino acid changes on protein structure and function yielded conflicting predictions that this variant is benign or damaging. Based on the available information, we are unable to determine the clinical significance of this variant.

University of Washington Department of Laboratory Medicine, University of Washington
Classification: Likely benign for Hereditary cancer-predisposing syndrome. Last evaluated: 2023-03-23. Review status: criteria provided, single submitter. Criteria: Dines et al. (Genet Med. 2020). Collection method: curation. Allele origin: germline.
Comment: Missense variant in a coldspot region where missense variants are very unlikely to be pathogenic (PMID:31911673).

BRCA2 exon 11 coldspot. Reclassification based on statistical prior probability.

Sema4
Classification: Uncertain significance for Hereditary cancer-predisposing syndrome. Last evaluated: 2021-11-17. Review status: criteria provided, single submitter. Criteria: Sema4 Curation Guidelines. Collection method: curation. Allele origin: germline.
Comment: The BRCA2 c.3101T>C (p.I1034T) variant has been reported in heterozygosity in at least two individuals with breast cancer in breast cancer case-control studies (PMID: 30287823, 33471991). It was observed in 2/21590 chromosomes of the Finnish subpopulation in the large and broad cohorts of the Genome Aggregation Database (PMID: 32461654). The variant has been reported in ClinVar (Variation ID 230962). In silico tools suggest the impact of the variant on protein function is deleterious, though these predictions have not been confirmed by functional studies. The evidence is insufficient to meet ACMG/AMP criteria for classifying the variant as benign or pathogenic. Thus, the clinical significance of this variant is currently uncertain.

PreventionGenetics, part of Exact Sciences
Classification: Uncertain significance. Last evaluated: 2016-11-02. Review status: criteria provided, single submitter. Criteria: ACMG Guidelines, 2015. Collection method: clinical testing. Allele origin: germline.

Literature cited by the submitters: PubMed 30287823 (cited by 6 submitters); PubMed 37664050 (cited by Labcorp Genetics (formerly Invitae), Labcorp and Women's Health and Genetics/Laboratory Corporation of America, LabCorp); PubMed 37937776 (cited by Labcorp Genetics (formerly Invitae), Labcorp and Women's Health and Genetics/Laboratory Corporation of America, LabCorp); PubMed 26580448 (cited by Women's Health and Genetics/Laboratory Corporation of America, LabCorp and Quest Diagnostics Nichols Institute San Juan Capistrano); PubMed 33471991 (cited by 4 submitters); PubMed 34413315 (cited by Women's Health and Genetics/Laboratory Corporation of America, LabCorp and Quest Diagnostics Nichols Institute San Juan Capistrano); PubMed 31853058 (cited by Color Diagnostics, LLC DBA Color Health).

NM_000059.4(BRCA2):c.3101T>C (p.Ile1034Thr)

Gene: BRCA2 (BRCA2 DNA repair associated; plus strand). Cytogenetic location: 13q13.1.
Variant type: single nucleotide variant.
Coding change: c.3101T>C on transcript NM_000059.4 (MANE Select); coding-DNA position 3101, T replaced by C.
Protein change: p.Ile1034Thr; replaces isoleucine 1034 with threonine.
Molecular consequence: missense variant.
Genome position (GRCh38, 1-based): chr13:32,337,456, T>C. VCF-style: chr13-32337456-T-C. GRCh37 (hg19) VCF-style: chr13-32911593-T-C.
Other names: short protein forms I1034T.
Identifiers: ClinVar variation 230962 (VCV000230962.33), dbSNP rs545974734, ClinGen allele CA6940668.